The following is an entry in ClinVar:

ClinVar aggregate classification (germline): Likely benign. Review status: criteria provided, multiple submitters, no conflicts (2 of 4 stars). 3 submissions from 3 submitters: Likely benign (3). Last evaluated 2025-09-02.

Conditions:
TRPM1-related disorder. Also called: TRPM1-related condition.

Allele frequency attached by ClinVar (database versions not stated): ExAC 0.00002; gnomAD 0.00003; gnomAD exomes 0.00003; TOPMed 0.00005; 1000 Genomes Project 30x 0.00016; 1000 Genomes Project 0.00020.
gnomAD v4.1: 54 of 1,614,230 alleles (0.0033%); highest among the groups gnomAD compares: Admixed American, 0.0067%; no homozygotes.

Submissions (3):

Labcorp Genetics (formerly Invitae), Labcorp
Classification: Likely benign. Last evaluated: 2025-09-02. Review status: criteria provided, single submitter. Criteria: Invitae Variant Classification Sherloc (09022015). Collection method: clinical testing. Allele origin: germline.

PreventionGenetics, part of Exact Sciences
Classification: Likely benign for TRPM1-related condition. Last evaluated: 2025-06-19. Review status: criteria provided, single submitter. Criteria: ACMG Guidelines, 2015. Collection method: clinical testing. Allele origin: germline.
Comment: This variant is classified as likely benign based on ACMG/AMP sequence variant interpretation guidelines (Richards et al. 2015 PMID: 25741868, with internal and published modifications).

Blueprint Genetics
Classification: Likely benign. Last evaluated: 2021-08-10. Review status: criteria provided, single submitter. Criteria: ACMG Guidelines, 2015. Collection method: clinical testing. Allele origin: germline.

NM_001252024.2(TRPM1):c.4278G>A (p.Thr1426=)

Gene: TRPM1 (transient receptor potential cation channel subfamily M member 1; minus strand). Cytogenetic location: 15q13.3.
Variant type: single nucleotide variant.
Coding change: c.4278G>A on transcript NM_001252024.2 (MANE Select); coding-DNA position 4278, G replaced by A.
Protein change: p.Thr1426=; no amino-acid change (threonine 1426 retained).
Molecular consequence: synonymous variant.
Genome position (GRCh38, 1-based): chr15:31,002,422, C>T on the plus strand (G>A on the coding strand, the complement: TRPM1 is on the minus strand). VCF-style: chr15-31002422-C-T. GRCh37 (hg19) VCF-style: chr15-31294625-C-T.
Other names: c.4329G>A (NM_001252020.1); c.4329G>A, p.Thr1443= (NM_001252020.2); c.4212G>A, p.Thr1404= (NM_002420.6).
Identifiers: ClinVar variation 1920717 (VCV001920717.7), dbSNP rs554560593, ClinGen allele CA7451674.